The following is an entry in ClinVar:

ClinVar aggregate classification (germline): Uncertain significance (1 of 4 stars; one submission).

Submission:

Labcorp Genetics (formerly Invitae), Labcorp
Classification: Uncertain significance. Last evaluated: 2022-05-25. Review status: criteria provided, single submitter. Criteria: Invitae Variant Classification Sherloc (09022015). Collection method: clinical testing. Allele origin: germline.
Comment: Algorithms developed to predict the effect of missense changes on protein structure and function output the following: SIFT: "Tolerated"; PolyPhen-2: "Benign"; Align-GVGD: "Class C0". The lysine amino acid residue is found in multiple mammalian species, which suggests that this missense change does not adversely affect protein function. This variant has not been reported in the literature in individuals affected with IL21-related conditions. This variant is not present in population databases (gnomAD no frequency). This sequence change replaces asparagine, which is neutral and polar, with lysine, which is basic and polar, at codon 111 of the IL21 protein (p.Asn111Lys). In summary, the available evidence is currently insufficient to determine the role of this variant in disease. Therefore, it has been classified as a Variant of Uncertain Significance.

NM_021803.4(IL21):c.333T>A (p.Asn111Lys)

Gene: IL21 (interleukin 21; minus strand). Cytogenetic location: 4q27.
Variant type: single nucleotide variant.
Coding change: c.333T>A on transcript NM_021803.4 (MANE Select); coding-DNA position 333, T replaced by A.
Protein change: p.Asn111Lys; replaces asparagine 111 with lysine.
Molecular consequence: missense variant.
Genome position (GRCh38, 1-based): chr4:122,615,709, A>T on the plus strand (T>A on the coding strand, the complement: IL21 is on the minus strand). VCF-style: chr4-122615709-A-T. GRCh37 (hg19) VCF-style: chr4-123536864-A-T.
Other names: c.333T>A, p.Asn111Lys (NM_001207006.3); short protein forms N111K.
Identifiers: ClinVar variation 2154057 (VCV002154057.4), dbSNP rs2484913601, ClinGen allele CA358221192.